The following is an entry in ClinVar:

NM_000548.5(TSC2):c.1562C>A (p.Thr521Lys)

Gene: TSC2 (TSC complex subunit 2; plus strand). Cytogenetic location: 16p13.3.
Variant type: single nucleotide variant.
Coding change: c.1562C>A on transcript NM_000548.5 (MANE Select); coding-DNA position 1562, C replaced by A.
Protein change: p.Thr521Lys; replaces threonine 521 with lysine.
Molecular consequence: missense variant. On other transcripts: 5 prime UTR variant (1), non-coding transcript variant (5).
Genome position (GRCh38, 1-based): chr16:2,064,390, C>A. VCF-style: chr16-2064390-C-A. GRCh37 (hg19) VCF-style: chr16-2114391-C-A.
Other names: c.218C>A, p.Thr73Lys (NM_001406697.1, NM_001406689.1, NM_001406690.1 and 6 more transcripts); c.-41C>A (NM_001406698.1); c.1562C>A, p.Thr521Lys (NM_021055.3, NM_001077183.3, NM_001114382.3 and 6 more transcripts); c.1451C>A, p.Thr484Lys (NM_001318827.2, NM_001406678.1, NM_001406670.1); c.1415C>A, p.Thr472Lys (NM_001318829.2, NM_001406679.1, NM_001406675.1 and 1 more transcripts); c.962C>A, p.Thr321Lys (NM_001318831.2, NM_001406680.1, NM_001406682.1 and 6 more transcripts); c.1595C>A, p.Thr532Lys (NM_001318832.2); c.1100C>A, p.Thr367Lys (NM_001406681.1); and 3 more; short protein forms T321K, T367K, T472K, T484K, T502K, T517K, T521K, T532K.
Identifiers: ClinVar variation 4866116 (VCV004866116.1).

ClinVar aggregate classification (germline): Uncertain significance (1 of 4 stars; one submission).

Conditions:
Hereditary cancer-predisposing syndrome. Also called: Neoplastic Syndromes, Hereditary; Tumor predisposition; Hereditary Cancer Syndrome; Hereditary neoplastic syndrome. Identifiers: Orphanet 140162, MedGen C0027672, MeSH D009386, MONDO:0015356.

gnomAD v4.1: 1 of 1,613,750 alleles (0.000062%); highest among the groups gnomAD compares: Non-Finnish European, 0.000085%; no homozygotes.

Submission:

Ambry Genetics
Classification: Uncertain significance for Hereditary cancer-predisposing syndrome. Last evaluated: 2026-05-14. Review status: criteria provided, single submitter. Criteria: Ambry Variant Classification Scheme 2023. Collection method: clinical testing. Allele origin: germline.
Comment: The p.T521K variant (also known as c.1562C>A), located in coding exon 14 of the TSC2 gene, results from a C to A substitution at nucleotide position 1562. The threonine at codon 521 is replaced by lysine, an amino acid with similar properties. This amino acid position is conserved. In addition, this alteration is predicted to be deleterious by in silico analysis. Based on the available evidence, the clinical significance of this variant remains unclear.